The following is an entry in ClinVar:

NM_014028.4(OSTM1):c.331C>T (p.Leu111Phe)

Gene: OSTM1 (osteoclastogenesis associated transmembrane protein 1; minus strand). Cytogenetic location: 6q21.
Variant type: single nucleotide variant.
Coding change: c.331C>T on transcript NM_014028.4 (MANE Select); coding-DNA position 331, C replaced by T.
Protein change: p.Leu111Phe; replaces leucine 111 with phenylalanine.
Molecular consequence: missense variant.
Genome position (GRCh38, 1-based): chr6:108,074,321, G>A on the plus strand (C>T on the coding strand, the complement: OSTM1 is on the minus strand). VCF-style: chr6-108074321-G-A. GRCh37 (hg19) VCF-style: chr6-108395525-G-A.
Other names: short protein forms L111F.
Identifiers: ClinVar variation 1507166 (VCV001507166.3), dbSNP rs1488643549, ClinGen allele CA365330425.

ClinVar aggregate classification (germline): Uncertain significance (1 of 4 stars; one submission).

Allele frequency attached by ClinVar (database versions not stated): gnomAD exomes below 0.00001 and 0.00001; gnomAD 0.00001; TOPMed 0.00003.
gnomAD v4.1: 4 of 1,611,848 alleles (0.00025%); highest among the groups gnomAD compares: East Asian, 0.0067%; no homozygotes.

Submission:

Labcorp Genetics (formerly Invitae), Labcorp
Classification: Uncertain significance. Last evaluated: 2021-09-14. Review status: criteria provided, single submitter. Criteria: Invitae Variant Classification Sherloc (09022015). Collection method: clinical testing. Allele origin: germline.
Comment: This sequence change replaces leucine with phenylalanine at codon 111 of the OSTM1 protein (p.Leu111Phe). The leucine residue is moderately conserved and there is a small physicochemical difference between leucine and phenylalanine. This variant is not present in population databases (ExAC no frequency). This variant has not been reported in the literature in individuals affected with OSTM1-related conditions. Algorithms developed to predict the effect of missense changes on protein structure and function are either unavailable or do not agree on the potential impact of this missense change (SIFT: "Deleterious"; PolyPhen-2: "Possibly Damaging"; Align-GVGD: "Class C0"). In summary, the available evidence is currently insufficient to determine the role of this variant in disease. Therefore, it has been classified as a Variant of Uncertain Significance.